The following is an entry in ClinVar:

NM_004370.6(COL12A1):c.1775C>T (p.Ala592Val)

Gene: COL12A1 (collagen type XII alpha 1 chain; minus strand). Cytogenetic location: 6q13.
Variant type: single nucleotide variant.
Coding change: c.1775C>T on transcript NM_004370.6 (MANE Select); coding-DNA position 1775, C replaced by T.
Protein change: p.Ala592Val; replaces alanine 592 with valine.
Molecular consequence: missense variant. On other transcripts: intron variant (1).
Genome position (GRCh38, 1-based): chr6:75,183,166, G>A on the plus strand (C>T on the coding strand, the complement: COL12A1 is on the minus strand). VCF-style: chr6-75183166-G-A. GRCh37 (hg19) VCF-style: chr6-75892882-G-A.
Other names: p.Ala592Val; c.73+19554C>T (NM_080645.3); short protein forms A592V.
Identifiers: ClinVar variation 569953 (VCV000569953.16), dbSNP rs373292353, ClinGen allele CA3894139.
Genomic context (GRCh38, chr6:75,183,166, plus strand): 5'-AGTTCAAAAGATATCCTCTGAAAAGCATCAAAATCTTCCACTGTGAACACATGGGTCTCT[G>A]CAGGAGGAGAGGCAATAGCTTCCAATTCTGAGCGAACGGCATCCTTCACACCAACTGCAA-3'
Protein context (NP_004361.3, residues 582-602): SELEAIASPP[Ala592Val]ETHVFTVEDF

ClinVar aggregate classification (germline): Uncertain significance. Review status: criteria provided, multiple submitters, no conflicts (2 of 4 stars). 6 submissions from 6 submitters: Uncertain significance (6). Last evaluated 2026-01-28.

Conditions:
Ullrich congenital muscular dystrophy 2 (UCMD2). Identifiers: Orphanet 75840, MedGen C4225314, MONDO:0014654, OMIM 616470.
Bethlem myopathy 2 (BTHLM2). Identifiers: Orphanet 536516, Orphanet 610, MedGen C4225313, MONDO:0034022, OMIM 616471.
Inborn genetic diseases. Identifiers: MedGen C0950123, MeSH D030342.

Allele frequency attached by ClinVar (database versions not stated): ESP Exome Variant Server 0.00016; ExAC 0.00002; gnomAD 0.00003 and 0.00002; gnomAD exomes 0.00004 and 0.00012; TOPMed 0.00005.
gnomAD v4.1: 187 of 1,614,050 alleles (0.012%); highest among the groups gnomAD compares: Non-Finnish European, 0.015%; no homozygotes.

Submissions (6):

Labcorp Genetics (formerly Invitae), Labcorp
Classification: Uncertain significance for Bethlem myopathy 2; Ullrich congenital muscular dystrophy 2. Last evaluated: 2026-01-28. Review status: criteria provided, single submitter. Criteria: Invitae Variant Classification Sherloc (09022015). Collection method: clinical testing. Allele origin: germline.
Comment: This sequence change replaces alanine, which is neutral and non-polar, with valine, which is neutral and non-polar, at codon 592 of the COL12A1 protein (p.Ala592Val). This variant is present in population databases (rs373292353, gnomAD 0.009%). This variant has not been reported in the literature in individuals affected with COL12A1-related conditions. ClinVar contains an entry for this variant (Variation ID: 569953). Invitae Evidence Modeling of protein sequence and biophysical properties (such as structural, functional, and spatial information, amino acid conservation, physicochemical variation, residue mobility, and thermodynamic stability) indicates that this missense variant is not expected to disrupt COL12A1 protein function with a negative predictive value of 80%. In summary, the available evidence is currently insufficient to determine the role of this variant in disease. Therefore, it has been classified as a Variant of Uncertain Significance.

Women's Health and Genetics/Laboratory Corporation of America, LabCorp
Classification: Uncertain significance. Last evaluated: 2026-01-26. Review status: criteria provided, single submitter. Criteria: LabCorp Variant Classification Summary - May 2015. Collection method: clinical testing. Allele origin: germline.
Comment: Variant summary: COL12A1 c.1775C>T (p.Ala592Val) results in a non-conservative amino acid change located in the von Willebrand factor, type A domain (IPR002035) of the encoded protein sequence. Algorithms developed to predict the effect of missense changes on protein structure and function are either unavailable or do not agree on the potential impact of this missense change. The variant allele was found at a frequency of 4e-05 in 249340 control chromosomes. This frequency is not significantly higher than estimated for disease-causing variants in COL12A1, allowing no conclusion about variant significance. To our knowledge, no occurrence of c.1775C>T in individuals affected with COL12A1-related conditions and no experimental evidence demonstrating its impact on protein function have been reported. ClinVar contains an entry for this variant (Variation ID: 569953). Based on the evidence outlined above, the variant was classified as uncertain significance.

Mayo Clinic Laboratories, Mayo Clinic
Classification: Uncertain significance. Last evaluated: 2025-10-09. Review status: criteria provided, single submitter. Criteria: ACMG Guidelines, 2015. Collection method: clinical testing. Allele origin: germline. Observed: 2 variant alleles.

Ambry Genetics
Classification: Uncertain significance for Inborn genetic diseases. Last evaluated: 2025-09-01. Review status: criteria provided, single submitter. Criteria: Ambry Variant Classification Scheme 2023. Collection method: clinical testing. Allele origin: germline.

Revvity Omics, Revvity
Classification: Uncertain significance. Last evaluated: 2024-08-29. Review status: criteria provided, single submitter. Criteria: ACMG Guidelines, 2015. Collection method: clinical testing. Allele origin: germline.

Fulgent Genetics
Classification: Uncertain significance for Ullrich congenital muscular dystrophy 2; Bethlem myopathy 2. Last evaluated: 2022-04-05. Review status: criteria provided, single submitter. Criteria: ACMG Guidelines, 2015. Collection method: clinical testing. Allele origin: unknown.